The following is an entry in ClinVar:

NM_012108.4(STAP1):c.862T>G (p.Leu288Val)

Gene: STAP1 (signal transducing adaptor family member 1; plus strand). Cytogenetic location: 4q13.2.
Variant type: single nucleotide variant.
Coding change: c.862T>G on transcript NM_012108.4 (MANE Select); coding-DNA position 862, T replaced by G.
Protein change: p.Leu288Val; replaces leucine 288 with valine.
Molecular consequence: missense variant.
Genome position (GRCh38, 1-based): chr4:67,606,331, T>G. VCF-style: chr4-67606331-T-G. GRCh37 (hg19) VCF-style: chr4-68472049-T-G.
Other names: c.862T>G, p.Leu288Val (NM_001317769.2); c.862T>G (NM_012108.2); short protein forms L288V.
Identifiers: ClinVar variation 2635834 (VCV002635834.2), dbSNP rs757970699, ClinGen allele CA2937716.

ClinVar aggregate classification (germline): Uncertain significance. Review status: criteria provided, multiple submitters, no conflicts (2 of 4 stars). 2 submissions from 2 submitters: Uncertain significance (2). Last evaluated 2023-09-22.

Conditions:
STAP1-related disorder. Also called: STAP1-related condition.

Allele frequency attached by ClinVar (database versions not stated): ExAC 0.00002.
gnomAD v4.1: 18 of 1,611,778 alleles (0.0011%); highest among the groups gnomAD compares: Admixed American, 0.0067%; no homozygotes.

Submissions (2):

Ambry Genetics
Classification: Uncertain significance. Last evaluated: 2023-09-22. Review status: criteria provided, single submitter. Criteria: Ambry Variant Classification Scheme 2023. Collection method: clinical testing. Allele origin: germline.
Comment: The p.L288V variant (also known as c.862T>G), located in coding exon 9 of the STAP1 gene, results from a T to G substitution at nucleotide position 862. The leucine at codon 288 is replaced by valine, an amino acid with highly similar properties. This amino acid position is conserved. In addition, this alteration is predicted to be tolerated by in silico analysis. Since supporting evidence is limited at this time, the clinical significance of this alteration remains unclear.

PreventionGenetics, part of Exact Sciences
Classification: Uncertain significance for STAP1-related condition. Last evaluated: 2022-09-22. Review status: criteria provided, single submitter. Criteria: ACMG Guidelines, 2015. Collection method: clinical testing. Allele origin: germline.
Comment: The STAP1 c.862T>G variant is predicted to result in the amino acid substitution p.Leu288Val. To our knowledge, this variant has not been reported in the literature. This variant is reported in 0.0044% of alleles in individuals of European (Non-Finnish) descent in gnomAD. At this time, the clinical significance of this variant is uncertain due to the absence of conclusive functional and genetic evidence.